The following is an entry in ClinVar:

ClinVar aggregate classification (germline): Likely pathogenic (1 of 4 stars; one submission).

Conditions:
Malignant tumor of breast. Also called: Malignant breast neoplasm; Cancer breast. Identifiers: MedGen C0006142, MONDO:0007254. Disease mechanism: loss of function.

Submission:

Women's Health and Genetics/Laboratory Corporation of America, LabCorp
Classification: Likely pathogenic for breast cancer. Last evaluated: 2020-08-17. Review status: criteria provided, single submitter. Criteria: LabCorp Variant Classification Summary - May 2015. Collection method: clinical testing. Allele origin: germline.
Comment: Variant summary: ATM c.1528_1529insTAAG (p.Ala510ValfsX7) results in a premature termination codon, predicted to cause a truncation of the encoded protein or absence of the protein due to nonsense mediated decay, which are commonly known mechanisms for disease. Truncations downstream of this position have been classified as pathogenic by our laboratory. The variant was absent in 251190 control chromosomes (gnomAD). To our knowledge, no occurrence of c.1528_1529insTAAG in individuals affected with Breast Cancer and no experimental evidence demonstrating its impact on protein function have been reported. No clinical diagnostic laboratories have submitted clinical-significance assessments for this variant to ClinVar after 2014. Based on the evidence outlined above, the variant was classified as likely pathogenic.

NM_000051.4(ATM):c.1528_1529insTAAG (p.Ala510fs)

Gene: ATM (ATM serine/threonine kinase; plus strand). Cytogenetic location: 11q22.3.
Variant type: Insertion.
Coding change: c.1528_1529insTAAG on transcript NM_000051.4 (MANE Select); coding-DNA positions 1528 to 1529, TAAG inserted.
Protein change: p.Ala510fs; shifts the reading frame from alanine 510.
Molecular consequence: frameshift variant.
Genome position: GRCh38 VCF-style: chr11-108250991-G-GAGTA. GRCh37 (hg19) VCF-style: chr11-108121718-G-GAGTA.
Other names: c.1528_1529insTAAG, p.Ala510fs (NM_001351834.2); short protein forms A510fs.
Identifiers: ClinVar variation 977706 (VCV000977706.2), dbSNP rs2080115075, ClinGen allele CA1139662156.